The following is an entry in ClinVar:

NM_001250.6(CD40):c.52-13A>G

Gene: CD40 (CD40 molecule; plus strand). Cytogenetic location: 20q13.12.
Variant type: single nucleotide variant.
Coding change: c.52-13A>G on transcript NM_001250.6 (MANE Select); 13 bases into the intron before coding-DNA position 52, A replaced by G.
Molecular consequence: intron variant.
Genome position (GRCh38, 1-based): chr20:46,121,807, A>G. VCF-style: chr20-46121807-A-G. GRCh37 (hg19) VCF-style: chr20-44750446-A-G.
Other names: c.52-13A>G (NM_001302753.2, NM_001322421.2, NM_001362758.2 and 2 more transcripts).
Identifiers: ClinVar variation 1499829 (VCV001499829.6), dbSNP rs749720262, ClinGen allele CA9888354.

ClinVar aggregate classification (germline): Uncertain significance (1 of 4 stars; one submission).

Allele frequency attached by ClinVar (database versions not stated): gnomAD exomes below 0.00001 and 0.00001; ExAC 0.00001; gnomAD 0.00001; TOPMed 0.00001.
gnomAD v4.1: 5 of 1,606,980 alleles (0.00031%); highest among the groups gnomAD compares: Non-Finnish European, 0.00034%; no homozygotes.

Submission:

Labcorp Genetics (formerly Invitae), Labcorp
Classification: Uncertain significance. Last evaluated: 2025-11-26. Review status: criteria provided, single submitter. Criteria: Invitae Variant Classification Sherloc (09022015). Collection method: clinical testing. Allele origin: germline.
Comment: This sequence change falls in intron 1 of the CD40 gene. It does not directly change the encoded amino acid sequence of the CD40 protein. This variant is present in population databases (rs749720262, gnomAD 0.01%). This variant has not been reported in the literature in individuals affected with CD40-related conditions. ClinVar contains an entry for this variant (Variation ID: 1499829). Algorithms developed to predict the effect of sequence changes on RNA splicing suggest that this variant may disrupt the consensus splice site. In summary, the available evidence is currently insufficient to determine the role of this variant in disease. Therefore, it has been classified as a Variant of Uncertain Significance.